The following is an entry in ClinVar:

ClinVar aggregate classification (germline): Uncertain significance (1 of 4 stars; one submission).

Allele frequency attached by ClinVar (database versions not stated): TOPMed 0.00001; gnomAD exomes 0.00002; gnomAD 0.00002; ESP Exome Variant Server 0.00008; ExAC 0.00001.
gnomAD v4.1: 38 of 1,612,922 alleles (0.0024%); highest among the groups gnomAD compares: Non-Finnish European, 0.0031%; no homozygotes.

Submission:

Labcorp Genetics (formerly Invitae), Labcorp
Classification: Uncertain significance. Last evaluated: 2024-08-05. Review status: criteria provided, single submitter. Criteria: Invitae Variant Classification Sherloc (09022015). Collection method: clinical testing. Allele origin: germline.
Comment: This sequence change affects a donor splice site in intron 84 of the HMCN1 gene. It is expected to disrupt RNA splicing. Variants that disrupt the donor or acceptor splice site typically lead to a loss of protein function (PMID: 16199547), however the current clinical and genetic evidence is not sufficient to establish whether loss-of-function variants in HMCN1 cause disease. This variant is present in population databases (rs200047924, gnomAD 0.003%). This variant has not been reported in the literature in individuals affected with HMCN1-related conditions. ClinVar contains an entry for this variant (Variation ID: 2076507). Algorithms developed to predict the effect of sequence changes on RNA splicing suggest that this variant may disrupt the consensus splice site. In summary, the available evidence is currently insufficient to determine the role of this variant in disease. Therefore, it has been classified as a Variant of Uncertain Significance.

Literature cited by the submitters: PubMed 16199547.

NM_031935.3(HMCN1):c.13039+2T>G

Gene: HMCN1 (hemicentin 1; plus strand). Cytogenetic location: 1q31.1.
Variant type: single nucleotide variant.
Coding change: c.13039+2T>G on transcript NM_031935.3 (MANE Select); the canonical splice donor site of the intron after coding-DNA position 13039, T replaced by G.
Molecular consequence: splice donor variant.
Genome position (GRCh38, 1-based): chr1:186,130,102, T>G. VCF-style: chr1-186130102-T-G. GRCh37 (hg19) VCF-style: chr1-186099234-T-G.
Identifiers: ClinVar variation 2076507 (VCV002076507.4), dbSNP rs200047924, ClinGen allele CA1294524.